The following is an entry in ClinVar:

NM_000368.5(TSC1):c.509-5T>G

Gene: TSC1 (TSC complex subunit 1; minus strand). Cytogenetic location: 9q34.13.
Variant type: single nucleotide variant.
Coding change: c.509-5T>G on transcript NM_000368.5 (MANE Select); 5 bases into the intron before coding-DNA position 509, T replaced by G.
Molecular consequence: intron variant.
Genome position (GRCh38, 1-based): chr9:132,921,978, A>C on the plus strand (T>G on the coding strand, the complement: TSC1 is on the minus strand). VCF-style: chr9-132921978-A-C. GRCh37 (hg19) VCF-style: chr9-135797365-A-C.
Other names: c.146-5T>G (NM_001362177.2); c.356-5T>G (NM_001162427.2); c.509-5T>G (NM_001162426.2).
Identifiers: ClinVar variation 937607 (VCV000937607.13), dbSNP rs1846593189, ClinGen allele CA1139661299.

ClinVar aggregate classification (germline): Uncertain significance. Review status: criteria provided, multiple submitters, no conflicts (2 of 4 stars). 2 submissions from 2 submitters: Uncertain significance (2). Last evaluated 2025-10-03.

Conditions:
Hereditary cancer-predisposing syndrome. Also called: Tumor predisposition; Hereditary neoplastic syndrome; Neoplastic Syndromes, Hereditary; Hereditary Cancer Syndrome. Identifiers: Orphanet 140162, MedGen C0027672, MeSH D009386, MONDO:0015356.
Tuberous sclerosis 1 (TSC1). Identifiers: Orphanet 805, MedGen C1854465, MONDO:0008612, OMIM 191100.

Submissions (2):

Labcorp Genetics (formerly Invitae), Labcorp
Classification: Uncertain significance for Tuberous sclerosis 1. Last evaluated: 2025-10-03. Review status: criteria provided, single submitter. Criteria: Invitae Variant Classification Sherloc (09022015). Collection method: clinical testing. Allele origin: germline.
Comment: This sequence change falls in intron 6 of the TSC1 gene. It does not directly change the encoded amino acid sequence of the TSC1 protein. This variant is not present in population databases (gnomAD no frequency). This variant has not been reported in the literature in individuals affected with TSC1-related conditions. ClinVar contains an entry for this variant (Variation ID: 937607). Algorithms developed to predict the effect of sequence changes on RNA splicing suggest that this variant may disrupt the consensus splice site. In summary, the available evidence is currently insufficient to determine the role of this variant in disease. Therefore, it has been classified as a Variant of Uncertain Significance.

Ambry Genetics
Classification: Uncertain significance for Hereditary cancer-predisposing syndrome. Last evaluated: 2024-12-20. Review status: criteria provided, single submitter. Criteria: Ambry Variant Classification Scheme 2023. Collection method: clinical testing. Allele origin: germline.
Comment: The c.509-5T>G intronic variant results from a T to G substitution 5 nucleotides upstream from coding exon 5 in the TSC1 gene. This nucleotide position is not well conserved in available vertebrate species. In silico splice site analysis for this alteration is inconclusive. Based on the available evidence, the clinical significance of this variant remains unclear.